The following is an entry in ClinVar:

NM_001904.4(CTNNB1):c.121A>G (p.Thr41Ala)

Genes: CTNNB1 (catenin beta 1; plus strand), LOC126806658 (BRD4-independent group 4 enhancer GRCh37_chr3:41265899-41267098; plus strand). Cytogenetic location: 3p22.1.
Variant type: single nucleotide variant.
Coding change: c.121A>G on transcript NM_001904.4 (MANE Select); coding-DNA position 121, A replaced by G.
Protein change: p.Thr41Ala; replaces threonine 41 with alanine.
Molecular consequence: missense variant.
Genome position (GRCh38, 1-based): chr3:41,224,633, A>G. VCF-style: chr3-41224633-A-G. GRCh37 (hg19) VCF-style: chr3-41266124-A-G.
Other names: c.121A>G, p.Thr41Ala (NM_001098209.2, NM_001098210.2); c.100A>G, p.Thr34Ala (NM_001330729.2); short protein forms T41A, T34A.
Identifiers: ClinVar variation 17580 (VCV000017580.10), dbSNP rs121913412, ClinGen allele CA127269.

ClinVar aggregate classification (germline): Likely pathogenic. Review status: criteria provided, multiple submitters, no conflicts (2 of 4 stars). 8 submissions from 6 submitters: Likely pathogenic (2). 6 of the submissions do not count toward it. Last evaluated 2019-07-18.
ClinVar aggregate classification (somatic clinical impact): Tier I - Strong. Review status: criteria provided, single submitter (1 of 4 stars). 5 submissions from 1 submitter. 1 of the submissions does not count toward it. Last evaluated 2025-01-27.
ClinVar aggregate classification (oncogenicity): Oncogenic (1 of 4 stars; one submission).

Conditions:
Hepatocellular carcinoma (HCC). Also called: Primary carcinoma of liver; HEPATOMA; LIVER CELL CARCINOMA. Identifiers: Orphanet 88673, MedGen C2239176, MONDO:0007256, OMIM 114550, HP:0001402.
Pilomatrixoma (PTR). Also called: Pilomatricoma, somatic; EPITHELIOMA CALCIFICANS OF MALHERBE; PILOMATRICOMA. Identifiers: Orphanet 91414, MedGen C0206711, MeSH D018296, MONDO:0007564, OMIM 132600, HP:0030434.
Medulloblastoma (MDB). Also called: Medulloblastoma, somatic; MEDULLOBLASTOMA PREDISPOSITION SYNDROME. Identifiers: Orphanet 616, MedGen C0025149, MeSH D008527, MONDO:0007959, OMIM 155255, HP:0002885.
Colorectal cancer. Also called: Malignant Colorectal Neoplasm; Colorectal cancer, somatic. Identifiers: MedGen C0346629, MONDO:0005575, OMIM 114500.
Ovarian cancer. Also called: OVARIAN CANCER, SOMATIC. Identifiers: Orphanet 213500, MedGen C1140680, MONDO:0008170, OMIM 167000.
Exudative vitreoretinopathy 7. Identifiers: MedGen C4539767, MONDO:0033123, OMIM 617572.
Severe intellectual disability-progressive spastic diplegia syndrome (NEDSDV). Also called: NEURODEVELOPMENTAL DISORDER WITH SPASTIC DIPLEGIA AND VISUAL DEFECTS; CTNNB1 Neurodevelopmental Disorder. Identifiers: Orphanet 404473, MedGen C3554449, MONDO:0014035, OMIM 615075.
Atypical endometrial hyperplasia. Identifiers: MedGen C0349579, MONDO:0006096.
Hepatoblastoma. Identifiers: Orphanet 449, MedGen C0206624, MONDO:0018666, HP:0002884.
Desmoid tumor caused by somatic mutation. Also called: Desmoid tumor, somatic. Identifiers: MedGen C2675440, MONDO:0100168.
Desmoid tumor. Also called: Aggressive fibromatosis; Desmoid tumour. Identifiers: Orphanet 873, MedGen C0079218, MONDO:0007608, HP:6001034.
Embryonal rhabdomyosarcoma (ERMS). Also called: Botryoid rhabdomyosarcoma (type of ERMS); Spindle cell rhabdomyosarcomas (type of ERMS). Identifiers: Orphanet 99757, MedGen C0206656, MONDO:0009993, HP:0006743.
Adrenal cortex carcinoma. Also called: Adrenocortical carcinoma. Identifiers: Orphanet 1501, MedGen C0206686, MeSH D018268, MONDO:0006639, HP:0006744.
Medulloblastoma non-WNT/non-SHH. Identifiers: MedGen C4330667, MONDO:0850198.
Calcifying nested epithelial stromal tumor of the liver. Identifiers: MedGen C3472610, MONDO:0006122.
Adamantinous craniopharyngioma. Identifiers: MedGen C0431129, MONDO:0002787.
Neoplasm. Also called: tumor; Neoplasms; Neoplasm (disease). Identifiers: MedGen C0027651, MeSH D009369, MONDO:0005070, HP:0002664.

Submissions 1 to 12 of 14:

Center for Genomic Medicine, Rigshospitalet, Copenhagen University Hospital
Classification: Oncogenic for Neoplasm. Last evaluated: 2025-03-04. Review status: criteria provided, single submitter. Criteria: ClinGen/CGC/VICC Guidelines for Oncogenicity, 2022. Collection method: clinical testing. Allele origin: somatic. Affected: yes.

Institute for Genomic Medicine (IGM) Clinical Laboratory, Nationwide Children's Hospital
Classification: Tier I - Strong for Calcifying nested epithelial stromal tumor of the liver. Assertion type: diagnostic. Clinical significance: supports diagnosis. Last evaluated: 2025-01-27. Review status: criteria provided, single submitter. Criteria: AMP/ASCO/CAP Guidelines, 2017. Collection method: clinical testing. Allele origin: somatic. Affected: yes.
Comment: Variant has Tier I (strong) clinical significance as a diagnostic inclusion criterion in calcifying nested epithelial stromal tumor of the liver, based on the following evidence: 1) Documented in one or more cancer databases (e.g., St. Jude Pecan, COSMIC, CIViC, OncoKB). 2) Appears in one or more well-established professional guidelines (e.g., World Health Organization [WHO]; National Comprehensive Cancer Network [NCCN]) as providing diagnostic, prognostic, or therapeutic information. 3) Diagnostic for a specific tumor type/classification based on well-powered studies with expert-level consensus (Evidence Level B; PMIDs: 22749188, 33994539).

Institute for Genomic Medicine (IGM) Clinical Laboratory, Nationwide Children's Hospital
Classification: Tier I - Strong for Adamantinous craniopharyngioma. Assertion type: diagnostic. Clinical significance: supports diagnosis. Last evaluated: 2024-12-20. Review status: criteria provided, single submitter. Criteria: AMP/ASCO/CAP Guidelines, 2017. Collection method: clinical testing. Allele origin: somatic. Affected: yes.
Comment: Variant has Tier I (strong) clinical significance as a diagnostic inclusion criterion in adamantinous craniopharyngioma, based on the following evidence: 1) Documented in one or more cancer databases (e.g., St. Jude Pecan, COSMIC, CIViC, OncoKB). 2) Appears in one or more well-established professional guidelines (e.g., World Health Organization [WHO]; National Comprehensive Cancer Network [NCCN]) as providing diagnostic, prognostic, or therapeutic information. 3) Information in the literature supports potential biologic effect of variant (PMIDs: 24735922, 12799363). 4) Diagnostic for a specific tumor type/classification according to professional guidelines (Evidence Level A; PMIDs: 12466115, 24413733, 28069929).

Institute for Genomic Medicine (IGM) Clinical Laboratory, Nationwide Children's Hospital
Classification: Tier I - Strong for Adrenal cortex carcinoma. Assertion type: diagnostic. Clinical significance: supports diagnosis. Last evaluated: 2023-10-10. Review status: criteria provided, single submitter. Criteria: AMP/ASCO/CAP Guidelines, 2017. Collection method: clinical testing. Allele origin: somatic. Affected: yes.
Comment: Variant has Tier I (strong) clinical significance as a diagnostic inclusion criterion in adrenal cortex carcinoma, based on the following evidence: 1) Documented in one or more cancer databases (e.g., St. Jude Pecan, COSMIC, CIViC, OncoKB). 2) Information in the literature supports potential biologic effect of variant (PMIDs: 16140927, 12799363, 24735922). 3) Diagnostic for a specific tumor type/classification based on well-powered studies with expert-level consensus (Evidence Level B; PMIDs: 16140927, 2574372, 27165744, 25490274, 24747642, 26815163, 27468715).

Institute for Genomic Medicine (IGM) Clinical Laboratory, Nationwide Children's Hospital
Classification: Tier II - Potential for Medulloblastoma non-WNT/non-SHH. Assertion type: diagnostic. Clinical significance: supports diagnosis. Last evaluated: 2023-08-29. Review status: criteria provided, single submitter. Criteria: AMP/ASCO/CAP Guidelines, 2017. Collection method: clinical testing. Allele origin: somatic. Affected: yes. Not counted in ClinVar's aggregate classification.
Comment: Variant has Tier II (potential) clinical significance as a diagnostic inclusion criterion in medulloblastoma non-WNT/non-SHH, based on the following evidence: 1) Diagnostic significance based on multiple small studies (Evidence Level C; PMIDs: 22722829, 28726821).

Institute for Genomic Medicine (IGM) Clinical Laboratory, Nationwide Children's Hospital
Classification: Tier I - Strong for Embryonal rhabdomyosarcoma. Assertion type: diagnostic. Clinical significance: supports diagnosis. Last evaluated: 2023-02-10. Review status: criteria provided, single submitter. Criteria: AMP/ASCO/CAP Guidelines, 2017. Collection method: clinical testing. Allele origin: somatic. Affected: yes.
Comment: Variant has Tier I (strong) clinical significance as a diagnostic inclusion criterion in embryonal rhabdomyosarcoma, based on the following evidence: 1) Documented in one or more cancer databases (e.g., St. Jude Pecan, COSMIC, CIViC, OncoKB). 2) Appears in one or more well-established professional guidelines (e.g., World Health Organization [WHO]; National Comprehensive Cancer Network [NCCN]) as providing diagnostic, prognostic, or therapeutic information. 3) Information in the literature supports potential biologic effect of variant (PMID: 29435196). 4) Diagnostic for a specific tumor type/classification based on well-powered studies with expert-level consensus (Evidence Level B; PMIDs: 34166060, 24436047, 24332040, 22142829).

Genetics and Molecular Pathology, SA Pathology
Classification: Likely pathogenic for Desmoid tumor. Last evaluated: 2019-07-18. Review status: criteria provided, single submitter. Criteria: ACMG Guidelines, 2015. Collection method: clinical testing. Allele origin: germline. Inheritance: Autosomal dominant inheritance. Affected: yes.

Juno Genomics, Hangzhou Juno Genomics, Inc
Classification: Likely pathogenic for Colorectal cancer; Exudative vitreoretinopathy 7; Hepatocellular carcinoma; Medulloblastoma; Severe intellectual disability-progressive spastic diplegia syndrome; Ovarian cancer; Pilomatrixoma. Review status: criteria provided, single submitter. Criteria: ACMG Guidelines, 2015. Collection method: clinical testing. Allele origin: germline. Affected: yes.
Comment: Absent from controls (or at extremely low frequency if recessive) in Genome Aggregation Database, Exome Sequencing Project, 1000 Genomes Project, or Exome Aggregation Consortium.;The prevalence of the variant in affected individuals is significantly increased compared to the prevalence in controls.;Missense variant in a gene that has a low rate of benign missense variation and where missense variants are a common mechanism of disease.

Donald Williams Parsons Laboratory, Baylor College of Medicine
Classification: other for HEPATOBLASTOMA. Last evaluated: 2016-05-01. Review status: no assertion criteria provided. Collection method: clinical testing. Allele origin: somatic. Inheritance: Somatic mutation. Affected: yes. Study: CSER-BASIC3. Not counted in ClinVar's aggregate classification.

OMIM
Classification: Pathogenic for HEPATOBLASTOMA, SOMATIC. Last evaluated: 1999-09-01. Review status: no assertion criteria provided. Collection method: literature only. Allele origin: somatic. Not counted in ClinVar's aggregate classification.

OMIM
Classification: Pathogenic for DESMOID TUMOR, SOMATIC. Last evaluated: 1999-09-01. Review status: no assertion criteria provided. Collection method: literature only. Allele origin: somatic. Not counted in ClinVar's aggregate classification.

Martignetti Lab, Icahn School of Medicine at Mount Sinai
Classification: association for Atypical endometrial hyperplasia. Review status: no assertion criteria provided. Collection method: research. Allele origin: somatic. Affected: yes. Not counted in ClinVar's aggregate classification.